The following is an entry in ClinVar:

ClinVar aggregate classification (germline): Pathogenic (1 of 4 stars; one submission).

Conditions:
Larsen-like syndrome, B3GAT3 type. Also called: Multiple joint dislocations, short stature, craniofacial dysmorphism, with or without congenital heart defects; MULTIPLE JOINT DISLOCATIONS, SHORT STATURE, AND CRANIOFACIAL DYSMORPHISM WITH OR WITHOUT CONGENITAL HEART DEFECTS. Identifiers: Orphanet 284139, MedGen CN034159, MONDO:0009511, OMIM 245600.

Submission:

Labcorp Genetics (formerly Invitae), Labcorp
Classification: Pathogenic for Larsen-like syndrome, B3GAT3 type. Last evaluated: 2022-05-25. Review status: criteria provided, single submitter. Criteria: Invitae Variant Classification Sherloc (09022015). Collection method: clinical testing. Allele origin: germline.
Comment: For these reasons, this variant has been classified as Pathogenic. Algorithms developed to predict the effect of sequence changes on RNA splicing suggest that this variant may create or strengthen a splice site. This variant has not been reported in the literature in individuals affected with B3GAT3-related conditions. This variant is not present in population databases (gnomAD no frequency). This sequence change creates a premature translational stop signal (p.Ser52Cysfs*8) in the B3GAT3 gene. It is expected to result in an absent or disrupted protein product. Loss-of-function variants in B3GAT3 are known to be pathogenic (PMID: 25893793, 27871226).

Literature cited by the submitters: PubMed 25893793; PubMed 27871226.

NM_012200.4(B3GAT3):c.126_154dup (p.Ser52delinsCysSerTyrGlyArgArgIleTer)

Gene: B3GAT3 (beta-1,3-glucuronyltransferase 3; minus strand). Cytogenetic location: 11q12.3.
Variant type: Duplication.
Coding change: c.126_154dup on transcript NM_012200.4 (MANE Select); coding-DNA positions 126 to 154, 29 bases duplicated (GCAGCTACGGCAGAAGGATCTGAGGATTT).
Protein change: p.Ser52delinsCysSerTyrGlyArgArgIleTer.
Molecular consequence: nonsense. On other transcripts: non-coding transcript variant (1).
Genome position (GRCh38, 1-based): chr11:62,620,600-62,620,628, AAATCCTCAGATCCTTCTGCCGTAGCTGC duplicated on the plus strand (GCAGCTACGGCAGAAGGATCTGAGGATTT on the coding strand, the reverse complement: B3GAT3 is on the minus strand). VCF-style (leftmost placement, unchanged base first): chr11-62620599-G-GAAATCCTCAGATCCTTCTGCCGTAGCTGC. GRCh37 (hg19) VCF-style: chr11-62388071-G-GAAATCCTCAGATCCTTCTGCCGTAGCTGC.
Other names: c.105_133dup, p.Ser45delinsCysSerTyrGlyArgArgIleTer (NM_001288721.2); c.126_154dup, p.Ser52delinsCysSerTyrGlyArgArgIleTer (NM_001288722.2, NM_001288723.2).
Identifiers: ClinVar variation 1998893 (VCV001998893.4), dbSNP rs1943126956, ClinGen allele CA938677624.